The following is an entry in ClinVar:

NM_138773.4(SLC25A46):c.238C>T (p.Pro80Ser)

Gene: SLC25A46 (solute carrier family 25 member 46; plus strand). Cytogenetic location: 5q22.1.
Variant type: single nucleotide variant.
Coding change: c.238C>T on transcript NM_138773.4 (MANE Select); coding-DNA position 238, C replaced by T.
Protein change: p.Pro80Ser; replaces proline 80 with serine.
Molecular consequence: missense variant. On other transcripts: non-coding transcript variant (1), intron variant (1).
Genome position (GRCh38, 1-based): chr5:110,739,357, C>T. VCF-style: chr5-110739357-C-T. GRCh37 (hg19) VCF-style: chr5-110075058-C-T.
Other names: c.238C>T, p.Pro80Ser (NM_001303249.3); c.10+1110C>T (NM_001303250.3); short protein forms P80S.
Identifiers: ClinVar variation 4976546 (VCV004976546.1).

ClinVar aggregate classification (germline): Uncertain significance (1 of 4 stars; one submission).

gnomAD v4.1: 4 of 1,561,428 alleles (0.00026%); highest among the groups gnomAD compares: Admixed American, 0.0019%; no homozygotes.

Submission:

GeneDx
Classification: Uncertain significance. Last evaluated: 2026-02-11. Review status: criteria provided, single submitter. Criteria: GeneDx Variant Classification Process June 2021. Collection method: clinical testing. Allele origin: germline.
Comment: Not observed at significant frequency in large population cohorts (gnomAD); In silico analysis suggests that this missense variant does not alter protein structure/function; Has not been previously published as pathogenic or benign to our knowledge